The following is an entry in ClinVar:

NM_182746.3(MCM4):c.2330G>A (p.Arg777Gln)

Gene: MCM4 (minichromosome maintenance complex component 4; plus strand). Cytogenetic location: 8q11.21.
Variant type: single nucleotide variant.
Coding change: c.2330G>A on transcript NM_182746.3 (MANE Select); coding-DNA position 2330, G replaced by A.
Protein change: p.Arg777Gln; replaces arginine 777 with glutamine.
Molecular consequence: missense variant.
Genome position (GRCh38, 1-based): chr8:47,974,927, G>A. VCF-style: chr8-47974927-G-A. GRCh37 (hg19) VCF-style: chr8-48887487-G-A.
Other names: c.2330G>A, p.Arg777Gln (NM_005914.4); short protein forms R777Q.
Identifiers: ClinVar variation 2906435 (VCV002906435.1), dbSNP rs767132249, ClinGen allele CA4742875.
Genomic context (GRCh38, chr8:47,974,927, plus strand): 5'-ATGTGGAAGAGGCCAAACGCCTCCATCGGGAAGCTCTGAAGCAGTCTGCAACTGATCCCC[G>A]GACTGGCATCGTGGACATATCTATTCTTACTACGGGTTCGTTATTTTCAGTGAACAGAAA-3'
Protein context (NP_877423.1, residues 767-787): EALKQSATDP[Arg777Gln]TGIVDISILT

ClinVar aggregate classification (germline): Uncertain significance (1 of 4 stars; one submission).

Allele frequency attached by ClinVar (database versions not stated): TOPMed below 0.00001; ExAC 0.00001; gnomAD exomes 0.00001.

Submission:

Labcorp Genetics (formerly Invitae), Labcorp
Classification: Uncertain significance. Last evaluated: 2024-01-02. Review status: criteria provided, single submitter. Criteria: Invitae Variant Classification Sherloc (09022015). Collection method: clinical testing. Allele origin: germline.
Comment: This sequence change replaces arginine, which is basic and polar, with glutamine, which is neutral and polar, at codon 777 of the MCM4 protein (p.Arg777Gln). This variant is present in population databases (rs767132249, gnomAD 0.0009%). This variant has not been reported in the literature in individuals affected with MCM4-related conditions. An algorithm developed to predict the effect of missense changes on protein structure and function (PolyPhen-2) suggests that this variant¬†is likely to be tolerated. In summary, the available evidence is currently insufficient to determine the role of this variant in disease. Therefore, it has been classified as a Variant of Uncertain Significance.